The following is an entry in ClinVar:

ClinVar aggregate classification (germline): Pathogenic (1 of 4 stars; one submission).

Conditions:
Familial hemophagocytic lymphohistiocytosis 2 (FHL2). Also called: PRF1-Related Familial Hemophagocytic Lymphohistiocytosis (PRF1-fHLH). Identifiers: Orphanet 540, MedGen C1863727, MONDO:0011337, OMIM 603553.

Submission:

Labcorp Genetics (formerly Invitae), Labcorp
Classification: Pathogenic for Familial hemophagocytic lymphohistiocytosis 2. Last evaluated: 2024-10-15. Review status: criteria provided, single submitter. Criteria: Invitae Variant Classification Sherloc (09022015). Collection method: clinical testing. Allele origin: germline.
Comment: This sequence change creates a premature translational stop signal (p.Tyr167*) in the PRF1 gene. While this is not anticipated to result in nonsense mediated decay, it is expected to disrupt the last 389 amino acid(s) of the PRF1 protein. This variant is not present in population databases (gnomAD no frequency). This premature translational stop signal has been observed in individual(s) with clinical features of hemophagocytic lymphohistiocytosis (PMID: 32542393). ClinVar contains an entry for this variant (Variation ID: 1393918). This variant disrupts a region of the PRF1 protein in which other variant(s) (p.Cys497*) have been determined to be pathogenic (PMID: 11841437). This suggests that this is a clinically significant region of the protein, and that variants that disrupt it are likely to be disease-causing. For these reasons, this variant has been classified as Pathogenic.

Literature cited by the submitters: PubMed 32542393; PubMed 11841437.

NM_001083116.3(PRF1):c.501C>G (p.Tyr167Ter)

Gene: PRF1 (perforin 1; minus strand). Cytogenetic location: 10q22.1.
Variant type: single nucleotide variant.
Coding change: c.501C>G on transcript NM_001083116.3 (MANE Select); coding-DNA position 501, C replaced by G.
Protein change: p.Tyr167Ter; replaces tyrosine 167 with a stop codon.
Molecular consequence: nonsense.
Genome position (GRCh38, 1-based): chr10:70,600,402, G>C on the plus strand (C>G on the coding strand, the complement: PRF1 is on the minus strand). VCF-style: chr10-70600402-G-C. GRCh37 (hg19) VCF-style: chr10-72360158-G-C.
Other names: c.501C>G, p.Tyr167Ter (NM_005041.6); short protein forms Y167*.
Identifiers: ClinVar variation 1393918 (VCV001393918.8), dbSNP rs2132477913, ClinGen allele CA376959286.